The following is an entry in ClinVar:

ClinVar aggregate classification (germline): Uncertain significance. Review status: criteria provided, multiple submitters, no conflicts (2 of 4 stars). 2 submissions from 2 submitters: Uncertain significance (2). Last evaluated 2024-11-06.

Conditions:
Hereditary spastic paraplegia 7 (SPG7). Also called: SPG7-related neurologic disorder; Autosomal recessive spastic paraplegia type 7; SPASTIC PARAPLEGIA 7, AUTOSOMAL RECESSIVE, WITH OR WITHOUT CEREBELLAR ATAXIA; Spastic paraplegia 7; Hereditary spastic paraplegia Paraplegin type. Identifiers: Orphanet 99013, MedGen C1846564, MONDO:0011803, OMIM 607259.
Inborn genetic diseases. Identifiers: MedGen C0950123, MeSH D030342.

Allele frequency attached by ClinVar (database versions not stated): gnomAD 0.00001; gnomAD exomes 0.00001; ExAC 0.00002; TOPMed 0.00003; ESP Exome Variant Server 0.00008.
gnomAD v4.1: 10 of 1,612,616 alleles (0.00062%); highest among the groups gnomAD compares: African/African-American, 0.004%; no homozygotes.

Submissions (2):

Labcorp Genetics (formerly Invitae), Labcorp
Classification: Uncertain significance for Hereditary spastic paraplegia 7. Last evaluated: 2024-11-06. Review status: criteria provided, single submitter. Criteria: Invitae Variant Classification Sherloc (09022015). Collection method: clinical testing. Allele origin: germline.
Comment: This sequence change replaces arginine, which is basic and polar, with histidine, which is basic and polar, at codon 130 of the SPG7 protein (p.Arg130His). This variant is present in population databases (rs143201041, gnomAD 0.003%). This variant has not been reported in the literature in individuals affected with SPG7-related conditions. ClinVar contains an entry for this variant (Variation ID: 2428402). Invitae Evidence Modeling of protein sequence and biophysical properties (such as structural, functional, and spatial information, amino acid conservation, physicochemical variation, residue mobility, and thermodynamic stability) indicates that this missense variant is not expected to disrupt SPG7 protein function with a negative predictive value of 80%. In summary, the available evidence is currently insufficient to determine the role of this variant in disease. Therefore, it has been classified as a Variant of Uncertain Significance.

Ambry Genetics
Classification: Uncertain significance for Inborn genetic diseases. Last evaluated: 2024-06-04. Review status: criteria provided, single submitter. Criteria: Ambry Variant Classification Scheme 2023. Collection method: clinical testing. Allele origin: germline.

NM_003119.4(SPG7):c.389G>A (p.Arg130His)

Gene: SPG7 (SPG7 matrix AAA peptidase subunit, paraplegin; plus strand). Cytogenetic location: 16q24.3.
Variant type: single nucleotide variant.
Coding change: c.389G>A on transcript NM_003119.4 (MANE Select); coding-DNA position 389, G replaced by A.
Protein change: p.Arg130His; replaces arginine 130 with histidine.
Molecular consequence: missense variant.
Genome position (GRCh38, 1-based): chr16:89,524,018, G>A. VCF-style: chr16-89524018-G-A. GRCh37 (hg19) VCF-style: chr16-89590426-G-A.
Other names: c.389G>A, p.Arg130His (NM_001363850.1, NM_199367.3); c.389G>A (NM_003119.2); short protein forms R130H.
Identifiers: ClinVar variation 2428402 (VCV002428402.7), dbSNP rs143201041, ClinGen allele CA8243626.